The following is an entry in ClinVar:

ClinVar aggregate classification (germline): Uncertain significance (1 of 4 stars; one submission).

gnomAD v4.1: 11 of 1,614,238 alleles (0.00068%); highest among the groups gnomAD compares: African/African-American, 0.0067%; no homozygotes.

Submission:

Labcorp Genetics (formerly Invitae), Labcorp
Classification: Uncertain significance. Last evaluated: 2024-12-05. Review status: criteria provided, single submitter. Criteria: Invitae Variant Classification Sherloc (09022015). Collection method: clinical testing. Allele origin: germline.
Comment: This sequence change replaces lysine, which is basic and polar, with glutamic acid, which is acidic and polar, at codon 1057 of the REST protein (p.Lys1057Glu). This variant is present in population databases (no rsID available, gnomAD 0.0009%). This variant has not been reported in the literature in individuals affected with REST-related conditions. An algorithm developed to predict the effect of missense changes on protein structure and function outputs the following: PolyPhen-2: "Benign". The glutamic acid amino acid residue is found in multiple mammalian species, which suggests that this missense change does not adversely affect protein function. In summary, the available evidence is currently insufficient to determine the role of this variant in disease. Therefore, it has been classified as a Variant of Uncertain Significance.

NM_005612.5(REST):c.3169A>G (p.Lys1057Glu)

Gene: REST (RE1 silencing transcription factor; plus strand). Cytogenetic location: 4q12.
Variant type: single nucleotide variant.
Coding change: c.3169A>G on transcript NM_005612.5 (MANE Select); coding-DNA position 3169, A replaced by G.
Protein change: p.Lys1057Glu; replaces lysine 1057 with glutamic acid.
Molecular consequence: missense variant.
Genome position (GRCh38, 1-based): chr4:56,932,027, A>G. VCF-style: chr4-56932027-A-G. GRCh37 (hg19) VCF-style: chr4-57798193-A-G.
Other names: c.3169A>G, p.Lys1057Glu (NM_001193508.2, NM_001363453.3); short protein forms K1057E.
Identifiers: ClinVar variation 3711919 (VCV003711919.2).
Genomic context (GRCh38, chr4:56,932,027, plus strand): 5'-CCAGTTCCACAAGAATCTAGCAGAAAAAATGCAAAGGAAGCCTTGGCAGTCAAAGCGGCT[A>G]AGGGAGATTTTGTTTGTATCTTCTGTGATCGTTCTTTCAGAAAGGGAAAAGATTACAGCA-3'
Protein context (NP_005603.3, residues 1047-1067): AKEALAVKAA[Lys1057Glu]GDFVCIFCDR